The following is an entry in ClinVar:

NM_000487.6(ARSA):c.922T>C (p.Tyr308His)

Gene: ARSA (arylsulfatase A; minus strand). Cytogenetic location: 22q13.33.
Variant type: single nucleotide variant.
Coding change: c.922T>C on transcript NM_000487.6 (MANE Select); coding-DNA position 922, T replaced by C.
Protein change: p.Tyr308His; replaces tyrosine 308 with histidine.
Molecular consequence: missense variant.
Genome position (GRCh38, 1-based): chr22:50,626,211, A>G on the plus strand (T>C on the coding strand, the complement: ARSA is on the minus strand). VCF-style: chr22-50626211-A-G. GRCh37 (hg19) VCF-style: chr22-51064639-A-G.
Other names: c.922T>C, p.Tyr308His (NM_001085425.3, NM_001085426.3, NM_001085427.3); c.664T>C, p.Tyr222His (NM_001085428.3, NM_001362782.2); short protein forms Y308H, Y222H.
Identifiers: ClinVar variation 68161 (VCV000068161.11), dbSNP rs199476379, ClinGen allele CA219078.

ClinVar aggregate classification (germline): Pathogenic. Review status: criteria provided, multiple submitters, no conflicts (2 of 4 stars). 4 submissions from 4 submitters: Pathogenic (2). 2 of the submissions do not count toward it. Last evaluated 2025-09-23.

Conditions:
Metachromatic leukodystrophy (MLD). Also called: ARSA DEFICIENCY; CEREBROSIDE SULFATASE DEFICIENCY; METACHROMATIC LEUKOENCEPHALOPATHY; Cerebral sclerosis diffuse metachromatic form; Arylsulfatase A Deficiency; SULFATIDE LIPIDOSIS. Identifiers: Orphanet 512, MedGen C0023522, MONDO:0018868, OMIM 250100.

Submissions (4):

Women's Health and Genetics/Laboratory Corporation of America, LabCorp
Classification: Pathogenic for Metachromatic leukodystrophy. Last evaluated: 2025-09-23. Review status: criteria provided, single submitter. Criteria: LabCorp Variant Classification Summary - May 2015. Collection method: clinical testing. Allele origin: germline.
Comment: Variant summary: ARSA c.922T>C (p.Tyr308His), also referred to as c.916T>C (p.Tyr306His), results in a conservative amino acid change in the encoded protein sequence. Algorithms developed to predict the effect of missense changes on protein structure and function are either unavailable or do not agree on the potential impact of this missense change. The variant was absent in 247312 control chromosomes. c.922T>C has been observed in multiple individuals affected with juvenile Metachromatic Leukodystrophy (e.g. Eng_2003, Tan_2010). These data indicate that the variant is very likely to be associated with disease. To our knowledge, no experimental evidence demonstrating an impact on protein function has been reported. The following publications have been ascertained in the context of this evaluation (PMID: 14517960, 19815439). ClinVar contains an entry for this variant (Variation ID: 68161). Based on the evidence outlined above, the variant was classified as pathogenic.

Labcorp Genetics (formerly Invitae), Labcorp
Classification: Pathogenic for Metachromatic leukodystrophy. Last evaluated: 2020-07-16. Review status: criteria provided, single submitter. Criteria: Invitae Variant Classification Sherloc (09022015). Collection method: clinical testing. Allele origin: germline.
Comment: For these reasons, this variant has been classified as Pathogenic. Advanced modeling of protein sequence and biophysical properties (such as structural, functional, and spatial information, amino acid conservation, physicochemical variation, residue mobility, and thermodynamic stability) performed at Invitae indicates that this missense variant is expected to disrupt ARSA protein function. This variant has been observed in individual(s) with metachromatic leukodystrophy (PMID: 14517960, 19815439). It is also known as Tyr306His or Y306H in the literature. ClinVar contains an entry for this variant (Variation ID: 68161). This variant is not present in population databases (ExAC no frequency). This sequence change replaces tyrosine with histidine at codon 308 of the ARSA protein (p.Tyr308His). The tyrosine residue is moderately conserved and there is a moderate physicochemical difference between tyrosine and histidine.

Counsyl
Classification: Uncertain significance for Metachromatic leukodystrophy. Last evaluated: 2017-11-06. Review status: no assertion criteria provided. Collection method: clinical testing. Allele origin: unknown. Not counted in ClinVar's aggregate classification.

UniProtKB/Swiss-Prot
No classification provided. Review status: no classification provided. Collection method: not provided. Allele origin: not provided. Not counted in ClinVar's aggregate classification.

Literature cited by the submitters: PubMed 14517960 (cited by 3 submitters); PubMed 19815439 (cited by 3 submitters).